The following is an entry in ClinVar:

NM_001042424.3(NSD2):c.334C>T (p.Pro112Ser)

Gene: NSD2 (nuclear receptor binding SET domain protein 2; plus strand). Cytogenetic location: 4p16.3.
Variant type: single nucleotide variant.
Coding change: c.334C>T on transcript NM_001042424.3 (MANE Select); coding-DNA position 334, C replaced by T.
Protein change: p.Pro112Ser; replaces proline 112 with serine.
Molecular consequence: missense variant.
Genome position (GRCh38, 1-based): chr4:1,900,988, C>T. VCF-style: chr4-1900988-C-T. GRCh37 (hg19) VCF-style: chr4-1902715-C-T.
Other names: c.334C>T, p.Pro112Ser (NM_007331.2, NM_133330.3, NM_133331.3 and 2 more transcripts); short protein forms P112S.
Identifiers: ClinVar variation 3673346 (VCV003673346.3).

ClinVar aggregate classification (germline): Uncertain significance. Review status: criteria provided, multiple submitters, no conflicts (2 of 4 stars). 2 submissions from 2 submitters: Uncertain significance (2). Last evaluated 2024-10-30.

Submissions (2):

Labcorp Genetics (formerly Invitae), Labcorp
Classification: Uncertain significance. Last evaluated: 2024-10-30. Review status: criteria provided, single submitter. Criteria: Invitae Variant Classification Sherloc (09022015). Collection method: clinical testing. Allele origin: germline.
Comment: This sequence change replaces proline, which is neutral and non-polar, with serine, which is neutral and polar, at codon 112 of the WHSC1 protein (p.Pro112Ser). This variant is not present in population databases (gnomAD no frequency). This variant has not been reported in the literature in individuals affected with WHSC1-related conditions. An algorithm developed to predict the effect of missense changes on protein structure and function (PolyPhen-2) suggests that this variant is likely to be disruptive. In summary, the available evidence is currently insufficient to determine the role of this variant in disease. Therefore, it has been classified as a Variant of Uncertain Significance.

Blueprint Genetics
Classification: Uncertain significance. Last evaluated: 2023-08-02. Review status: criteria provided, single submitter. Criteria: ACMG Guidelines, 2015. Collection method: clinical testing. Allele origin: germline.